The following is an entry in ClinVar:

NM_001141947.3(CCDC66):c.11+7_11+16dup

Gene: CCDC66 (coiled-coil domain containing 66; plus strand). Cytogenetic location: 3p14.3.
Variant type: Duplication.
Coding change: c.11+7_11+16dup on transcript NM_001141947.3 (MANE Select); bases 7 to 16 of the intron after coding-DNA position 11, 10 bases duplicated (AGGGGTAAGC; older notation c.11+7_11+16dupAGGGGTAAGC).
Molecular consequence: splice donor variant. On other transcripts: intron variant (1).
Genome position (GRCh38, 1-based): chr3:56,557,260-56,557,269, AGGGGTAAGC duplicated; duplicating any 10 consecutive bases within chr3:56,557,251-56,557,269 gives the same sequence; the c. name uses the placement nearest the transcript's 3' end. VCF-style (leftmost placement, unchanged base first): chr3-56557250-T-TGGGGTAAGCA. GRCh37 (hg19) VCF-style: chr3-56591278-T-TGGGGTAAGCA.
Other names: c.-1248_-1245+6dup (NM_001353160.1); c.-95_-92+6dup (NM_001353153.1); c.-243+7_-243+16dup (NM_001353152.1); c.-1077+7_-1077+16dup (NM_001353158.1); c.-979+7_-979+16dup (NM_001353156.1); c.11+7_11+16dup (NM_001353147.1, NM_001353148.1, NM_001353150.1 and 3 more transcripts); c.-63+7_-63+16dup (NM_001353151.1); c.-92+26_-92+35dup (NM_001012506.5).
Identifiers: ClinVar variation 402505 (VCV000402505.4), dbSNP rs60235683, ClinGen allele CA2459965.
Genomic context (GRCh38, chr3:56,557,250, plus strand): 5'-CCGACGTACACAAGGGGCTTGAGCGTTCTGTGGAGAGAGTGCGAGGTCAGGCCATGAACT[T>TGGGGTAAGCA]GGGGTAAGCAGGGGTAAGCTGGGGTAAGCTGGGGTAAGCAAGGTGGTCGTCAGCGGAGAG-3'

ClinVar aggregate classification (germline): Benign (1 of 4 stars; one submission).

Submission:

Laboratory for Molecular Medicine, Mass General Brigham Personalized Medicine
Classification: Benign. Last evaluated: 2016-03-28. Review status: criteria provided, single submitter. Criteria: LMM Criteria. Collection method: clinical testing. Allele origin: germline.
Comment: Variant identified in a genome or exome case(s) and assessed due to predicted null impact of the variant or pathogenic assertions in the literature or databases. Disclaimer: This variant has not undergone full assessment. The following are preliminary notes: Frequency in 1000Genomes: 1498/2178=68.77%